The following is an entry in ClinVar:

NM_006648.4(WNK2):c.1903G>A (p.Val635Met)

Gene: WNK2 (WNK lysine deficient protein kinase 2; plus strand). Cytogenetic location: 9q22.31.
Variant type: single nucleotide variant.
Coding change: c.1903G>A on transcript NM_006648.4 (MANE Select); coding-DNA position 1903, G replaced by A.
Protein change: p.Val635Met; replaces valine 635 with methionine.
Molecular consequence: missense variant.
Genome position (GRCh38, 1-based): chr9:93,252,951, G>A. VCF-style: chr9-93252951-G-A. GRCh37 (hg19) VCF-style: chr9-96015233-G-A.
Other names: c.1903G>A, p.Val635Met (NM_001282394.3); short protein forms V635M.
Identifiers: ClinVar variation 3470374 (VCV003470374.1).
Genomic context (GRCh38, chr9:93,252,951, plus strand): 5'-ACCTTCGACAGCGGCCAGGGCTCTACCGTGTACTCAGACTCGCAGAGCAGCCAGCAGAGC[G>A]TGATGCTTGGCTCCCTTGCCGACGCAGCGCCGTCCCCGGCCCAGTGTGTGTGCAGCCCCC-3'
Protein context (NP_006639.3, residues 625-645): YSDSQSSQQS[Val635Met]MLGSLADAAP

ClinVar aggregate classification (germline): Uncertain significance (1 of 4 stars; one submission).

gnomAD v4.1: 40 of 1,578,046 alleles (0.0025%); highest among the groups gnomAD compares: African/African-American, 0.027%; no homozygotes.

Submission:

Ambry Genetics
Classification: Uncertain significance. Last evaluated: 2024-11-24. Review status: criteria provided, single submitter. Criteria: Ambry Variant Classification Scheme 2023. Collection method: clinical testing. Allele origin: germline.
Comment: The p.V635M variant (also known as c.1903G>A), located in coding exon 8 of the WNK2 gene, results from a G to A substitution at nucleotide position 1903. The valine at codon 635 is replaced by methionine, an amino acid with highly similar properties. This amino acid position is conserved. In addition, this alteration is predicted to be tolerated by in silico analysis. Based on the available evidence, the clinical significance of this variant remains unclear.